The following is an entry in ClinVar:

NM_002617.4(PEX10):c.401_416dup (p.Gly140fs)

Gene: PEX10 (peroxisomal biogenesis factor 10; minus strand). Cytogenetic location: 1p36.32.
Variant type: Duplication.
Coding change: c.401_416dup on transcript NM_002617.4 (MANE Select); coding-DNA positions 401 to 416, 16 bases duplicated (GTGGGCGTGGCTGCTC).
Protein change: p.Gly140fs; shifts the reading frame from glycine 140.
Molecular consequence: frameshift variant. On other transcripts: 5 prime UTR variant (2), non-coding transcript variant (1).
Genome position (GRCh38, 1-based): chr1:2,408,636-2,408,651, GAGCAGCCACGCCCAC duplicated on the plus strand (GTGGGCGTGGCTGCTC on the coding strand, the reverse complement: PEX10 is on the minus strand). VCF-style (leftmost placement, unchanged base first): chr1-2408635-T-TGAGCAGCCACGCCCAC. GRCh37 (hg19) VCF-style: chr1-2340074-T-TGAGCAGCCACGCCCAC.
Other names: c.401_416dup, p.Gly140fs (NM_001374425.1, NM_153818.2); c.-32_-17dup (NM_001374426.1, NM_001374427.1); short protein forms G140fs.
Identifiers: ClinVar variation 1362935 (VCV001362935.7), dbSNP rs2100429011, ClinGen allele CA2573131884.

ClinVar aggregate classification (germline): Pathogenic/Likely pathogenic. Review status: criteria provided, multiple submitters, no conflicts (2 of 4 stars). 2 submissions from 2 submitters: Pathogenic (1); Likely pathogenic (1). Last evaluated 2023-10-16.

Conditions:
Peroxisome biogenesis disorder, complementation group 7 (CG7). Also called: Peroxisome biogenesis disorder, complementation group B. Identifiers: MedGen C1864399.
Peroxisome biogenesis disorder 6A (Zellweger). Also called: Peroxisome biogenesis disorder 6A. Identifiers: Orphanet 912, MedGen C3553947, MONDO:0013936, OMIM 614870.

Submissions (2):

Labcorp Genetics (formerly Invitae), Labcorp
Classification: Pathogenic for Peroxisome biogenesis disorder, complementation group 7. Last evaluated: 2023-10-16. Review status: criteria provided, single submitter. Criteria: Invitae Variant Classification Sherloc (09022015). Collection method: clinical testing. Allele origin: germline.
Comment: This sequence change creates a premature translational stop signal (p.Gly140Trpfs*20) in the PEX10 gene. It is expected to result in an absent or disrupted protein product. Loss-of-function variants in PEX10 are known to be pathogenic (PMID: 9683594, 10862081, 21031596). This variant is not present in population databases (gnomAD no frequency). This variant has not been reported in the literature in individuals affected with PEX10-related conditions. ClinVar contains an entry for this variant (Variation ID: 1362935). For these reasons, this variant has been classified as Pathogenic.

Baylor Genetics
Classification: Likely pathogenic for Peroxisome biogenesis disorder 6A (Zellweger). Last evaluated: 2023-08-24. Review status: criteria provided, single submitter. Criteria: ACMG Guidelines, 2015. Collection method: clinical testing. Allele origin: unknown.

Literature cited by the submitters: PubMed 9683594 (cited by Labcorp Genetics (formerly Invitae), Labcorp); PubMed 10862081 (cited by Labcorp Genetics (formerly Invitae), Labcorp); PubMed 21031596 (cited by Labcorp Genetics (formerly Invitae), Labcorp).